The following is an entry in ClinVar:

ClinVar aggregate classification (germline): Conflicting classifications of pathogenicity. Review status: criteria provided, conflicting classifications (1 of 4 stars). 6 submissions from 6 submitters: Uncertain significance (4); Likely benign (2). Last evaluated 2026-01-23.

Conditions:
Cardiovascular phenotype. Identifiers: MedGen CN230736.
Cardiomyopathy (CMYO). Also called: Cardiomyopathies. Identifiers: Orphanet 167848, MedGen C0878544, MONDO:0004994, HP:0001638. Inheritance: Various modes of inheritance.
Hypertrophic cardiomyopathy. Also called: HYPERTROPHIC MYOCARDIOPATHY. Identifiers: Orphanet 217569, MedGen C0007194, MeSH D002312, MONDO:0005045, HP:0001639.

Allele frequency attached by ClinVar (database versions not stated): gnomAD exomes below 0.00001 and 0.00001; ExAC 0.00001; gnomAD 0.00001; TOPMed 0.00004.
gnomAD v4.1: 21 of 1,614,124 alleles (0.0013%); highest among the groups gnomAD compares: African/African-American, 0.0027%; no homozygotes.

Submissions (6):

Women's Health and Genetics/Laboratory Corporation of America, LabCorp
Classification: Uncertain significance. Last evaluated: 2026-01-23. Review status: criteria provided, single submitter. Criteria: LabCorp Variant Classification Summary - May 2015. Collection method: clinical testing. Allele origin: germline.

Labcorp Genetics (formerly Invitae), Labcorp
Classification: Uncertain significance for Hypertrophic cardiomyopathy. Last evaluated: 2025-11-03. Review status: criteria provided, single submitter. Criteria: Invitae Variant Classification Sherloc (09022015). Collection method: clinical testing. Allele origin: germline.
Comment: This sequence change replaces isoleucine, which is neutral and non-polar, with valine, which is neutral and non-polar, at codon 114 of the TNNI3 protein (p.Ile114Val). This variant is present in population databases (rs730881070, gnomAD 0.0009%). This variant has not been reported in the literature in individuals affected with TNNI3-related conditions. ClinVar contains an entry for this variant (Variation ID: 181578). An algorithm developed to predict the effect of missense changes on protein structure and function outputs the following: PolyPhen-2: "Benign". The valine amino acid residue is found in multiple mammalian species, which suggests that this missense change does not adversely affect protein function. In summary, the available evidence is currently insufficient to determine the role of this variant in disease. Therefore, it has been classified as a Variant of Uncertain Significance.

Color Diagnostics, LLC DBA Color Health
Classification: Uncertain significance for Cardiomyopathy. Last evaluated: 2024-09-11. Review status: criteria provided, single submitter. Criteria: ACMG Guidelines, 2015. Collection method: clinical testing. Allele origin: germline.
Comment: This missense variant replaces isoleucine with valine at codon 114 of the TNNI3 protein. Computational prediction is inconclusive regarding the impact of this variant on protein structure and function. To our knowledge, functional studies have not been reported for this variant. This variant has not been reported in individuals affected with TNNI3-related disorders in the literature. This variant has been identified in 1/249466 chromosomes in the general population by the Genome Aggregation Database (gnomAD). The available evidence is insufficient to determine the role of this variant in disease conclusively. Therefore, this variant is classified as a Variant of Uncertain Significance.

All of Us Research Program, National Institutes of Health
Classification: Likely benign for Hypertrophic cardiomyopathy. Last evaluated: 2023-11-20. Review status: criteria provided, single submitter. Criteria: ACMG Guidelines, 2015. Collection method: clinical testing. Allele origin: germline. Inheritance: Autosomal dominant inheritance. Observed: 3 variant alleles, 3 heterozygotes.
Comment: This study involves interpretation of variants in research participants for the purpose of population health screening. Participant phenotype was not available at the time of variant classification. Additional details can be found in publication PMID: 35346344, PMCID: PMC8962531

Ambry Genetics
Classification: Likely benign for Cardiovascular phenotype. Last evaluated: 2021-06-10. Review status: criteria provided, single submitter. Criteria: Ambry Variant Classification Scheme 2023. Collection method: clinical testing. Allele origin: germline.

GeneDx
Classification: Uncertain significance. Last evaluated: 2012-04-25. Review status: criteria provided, single submitter. Criteria: GeneDx Variant Classification (06012015). Collection method: clinical testing. Allele origin: germline. Affected: yes.
Comment: The Ile114Val variant in the TNNI3 gene has not been reported previously as a disease-causing mutation or as a benign polymorphism, to our knowledge. Ile114Val results in a conservative amino acid substitution of one non-polar amino acid with another at a position that is not conserved. In silico analysis predicts Ile114Val is benign to the protein structure/function. Nevertheless, a mutation in a nearby codon (Ala116Gly) has been reported in association with cardiomyopathy, supporting the functional importance of this region of the protein. Also, The NHLBI ESP Exome Variant Server reports Ile114Val was not observed in approximately 5,000 samples from individuals of European and African American backgrounds, indicating it is not a common benign variant in these populations.The variant is found in HCM panel(s).

NM_000363.5(TNNI3):c.340A>G (p.Ile114Val)

Gene: TNNI3 (troponin I3, cardiac type; minus strand). Cytogenetic location: 19q13.42.
Variant type: single nucleotide variant.
Coding change: c.340A>G on transcript NM_000363.5 (MANE Select); coding-DNA position 340, A replaced by G.
Protein change: p.Ile114Val; replaces isoleucine 114 with valine.
Molecular consequence: missense variant.
Genome position (GRCh38, 1-based): chr19:55,154,773, T>C on the plus strand (A>G on the coding strand, the complement: TNNI3 is on the minus strand). VCF-style: chr19-55154773-T-C. GRCh37 (hg19) VCF-style: chr19-55666141-T-C.
Other names: p.I114V:ATA>GTA; c.340A>G (LRG_432t1); short protein forms I114V.
Identifiers: ClinVar variation 181578 (VCV000181578.16), dbSNP rs730881070, ClinGen allele CA021515.